The following is an entry in ClinVar:

ClinVar aggregate classification (germline): Pathogenic (1 of 4 stars; one submission).

Conditions:
Breast-ovarian cancer, familial, susceptibility to, 2 (BROVCA2). Also called: BRCA2 Hereditary Breast and Ovarian Cancer. Identifiers: Orphanet 145, MedGen C2675520, MONDO:0012933, OMIM 612555. Disease mechanism: loss of function.

Submission:

Myriad Genetics, Inc.
Classification: Pathogenic for Breast-ovarian cancer, familial, susceptibility to, 2. Last evaluated: 2025-12-10. Review status: criteria provided, single submitter. Criteria: Myriad Autosomal Dominant, Autosomal Recessive and X-Linked Classification Criteria (2023). Collection method: clinical testing. Allele origin: unknown.
Comment: This variant is considered pathogenic. This variant creates a frameshift predicted to result in premature protein truncation.

NM_000059.4(BRCA2):c.1887_1888dup (p.Thr630fs)

Gene: BRCA2 (BRCA2 DNA repair associated; plus strand). Cytogenetic location: 13q13.1.
Variant type: Duplication.
Coding change: c.1887_1888dup on transcript NM_000059.4 (MANE Select); coding-DNA positions 1887 to 1888, 2 bases duplicated (TA; older notation c.1887_1888dupTA).
Protein change: p.Thr630fs; shifts the reading frame from threonine 630.
Molecular consequence: frameshift variant. On other transcripts: non-coding transcript variant (1), intron variant (1).
Genome position (GRCh38, 1-based): chr13:32,333,365-32,333,366, TA duplicated. VCF-style (leftmost placement, unchanged base first): chr13-32333364-T-TTA. GRCh37 (hg19) VCF-style: chr13-32907501-T-TTA.
Other names: c.1887_1888dup, p.Thr630fs (NM_001406719.1, NM_001406720.1, NM_001406721.1 and 1 more transcripts); c.424+2335_424+2336dup (NM_001406722.1); short protein forms T630fs.
Identifiers: ClinVar variation 4813016 (VCV004813016.1).
Genomic context (GRCh38, chr13:32,333,364, plus strand): 5'-AAAAATCAGAACTAATTAACTGTTCAGCCCAGTTTGAAGCAAATGCTTTTGAAGCACCAC[T>TTA]TACATTTGCAAATGCTGATTCAGGTACCTCTGTCTTTTTTTTTTTGTAAATAGTACATAT-3'